The following is an entry in ClinVar:

NM_000455.5(STK11):c.735-1G>A

Gene: STK11 (serine/threonine kinase 11; plus strand). Cytogenetic location: 19p13.3.
Variant type: single nucleotide variant.
Coding change: c.735-1G>A on transcript NM_000455.5 (MANE Select); the canonical splice acceptor site of the intron before coding-DNA position 735, G replaced by A.
Molecular consequence: splice acceptor variant.
Genome position (GRCh38, 1-based): chr19:1,221,212, G>A. VCF-style: chr19-1221212-G-A. GRCh37 (hg19) VCF-style: chr19-1221211-G-A.
Other names: c.735-1G>A (NM_001407255.1).
Identifiers: ClinVar variation 372522 (VCV000372522.18), dbSNP rs1057517830, ClinGen allele CA16043164.

ClinVar aggregate classification (germline): Pathogenic/Likely pathogenic. Review status: criteria provided, multiple submitters, no conflicts (2 of 4 stars). 6 submissions from 6 submitters: Pathogenic (5); Likely pathogenic (1). Last evaluated 2025-07-24.

Conditions:
Hereditary cancer-predisposing syndrome. Also called: Tumor predisposition; Hereditary Cancer Syndrome; Hereditary neoplastic syndrome; Neoplastic Syndromes, Hereditary. Identifiers: Orphanet 140162, MedGen C0027672, MeSH D009386, MONDO:0015356.
Peutz-Jeghers syndrome (PJS). Also called: Peutz-Jeghers polyposis; Periorificial lentiginosis syndrome; POLYPOSIS, HAMARTOMATOUS INTESTINAL; POLYPS-AND-SPOTS SYNDROME. Identifiers: Orphanet 2869, MedGen C0031269, MeSH D010580, MONDO:0008280, OMIM 175200.

Submissions (6):

Labcorp Genetics (formerly Invitae), Labcorp
Classification: Pathogenic for Peutz-Jeghers syndrome. Last evaluated: 2025-07-24. Review status: criteria provided, single submitter. Criteria: Invitae Variant Classification Sherloc (09022015). Collection method: clinical testing. Allele origin: germline.
Comment: This sequence change affects an acceptor splice site in intron 5 of the STK11 gene. It is expected to disrupt RNA splicing. Variants that disrupt the donor or acceptor splice site typically lead to a loss of protein function (PMID: 16199547), and loss-of-function variants in STK11 are known to be pathogenic (PMID: 15188174, 16287113). This variant is not present in population databases (gnomAD no frequency). Disruption of this splice site has been observed in individuals with Peutz-Jeghers syndrome (PJS) (PMID: 11389158, 23240097). ClinVar contains an entry for this variant (Variation ID: 372522). Algorithms developed to predict the effect of sequence changes on RNA splicing suggest that this variant may disrupt the consensus splice site. For these reasons, this variant has been classified as Pathogenic.

Department of Clinical Genetics, Copenhagen University Hospital, Rigshospitalet
Classification: Pathogenic for Peutz-Jeghers syndrome. Last evaluated: 2025-01-10. Review status: criteria provided, single submitter. Criteria: ACMG Guidelines, 2015. Collection method: clinical testing. Allele origin: germline. Affected: yes.
Comment: The following ACMG criteria was used: PVS1; PM2_SUP; PS4_SUP

Myriad Genetics, Inc.
Classification: Likely pathogenic for Peutz-Jeghers syndrome. Last evaluated: 2024-02-12. Review status: criteria provided, single submitter. Criteria: Myriad Autosomal Dominant, Autosomal Recessive and X-Linked Classification Criteria (2023). Collection method: clinical testing. Allele origin: unknown.
Comment: This variant is considered likely pathogenic. This variant occurs within a consensus splice junction and is predicted to result in abnormal mRNA splicing of either an out-of-frame exon or an in-frame exon necessary for protein stability and/or normal function.

Ambry Genetics
Classification: Pathogenic for Hereditary cancer-predisposing syndrome. Last evaluated: 2022-11-09. Review status: criteria provided, single submitter. Criteria: Ambry Variant Classification Scheme 2023. Collection method: clinical testing. Allele origin: germline.
Comment: The c.735-1G>A intronic pathogenic mutation results from a G to A substitution one nucleotide upstream from coding exon 6 of the STK11 gene. This pathogenic variant has been reported in multiple individuals with diagnoses consistent with Peutz-Jeghers syndrome (PJS) (Olschwang S et al. J Med Genet. 2001 Jun;38:356-60; Korsse SE et al. J Med Genet. 2013 Jan;50:59-64). Of note, this may be referred to as IVS5-1G>A in some published literature. This variant is considered to be rare based on population cohorts in the Genome Aggregation Database (gnomAD).This nucleotide position is highly conserved in available vertebrate species. In silico splice site analysis predicts that this alteration will weaken the native splice acceptor site and will result in the creation or strengthening of a novel splice acceptor site. In addition to the clinical data presented in the literature, alterations that disrupt the canonical splice site are expected to cause aberrant splicing, resulting in an abnormal protein or a transcript that is subject to nonsense-mediated mRNA decay. As such, this alteration is classified as a disease-causing mutation.

Genome-Nilou Lab
Classification: Pathogenic for Peutz-Jeghers syndrome. Last evaluated: 2021-07-15. Review status: criteria provided, single submitter. Criteria: ACMG Guidelines, 2015. Collection method: clinical testing. Allele origin: germline. Affected: no.

GeneDx
Classification: Pathogenic. Last evaluated: 2020-07-09. Review status: criteria provided, single submitter. Criteria: GeneDx Variant Classification Process June 2021. Collection method: clinical testing. Allele origin: germline. Affected: yes.
Comment: Canonical splice site variant in a gene for which loss-of-function is a known mechanism of disease; Not observed in large population cohorts (Lek et al., 2016); This variant is associated with the following publications: (PMID: 16707622, 23240097, 11389158, 17924967, 20559149, 30528796)

Literature cited by the submitters: PubMed 16199547 (cited by Labcorp Genetics (formerly Invitae), Labcorp); PubMed 15188174 (cited by Labcorp Genetics (formerly Invitae), Labcorp); PubMed 16287113 (cited by Labcorp Genetics (formerly Invitae), Labcorp); PubMed 11389158 (cited by Labcorp Genetics (formerly Invitae), Labcorp and Ambry Genetics); PubMed 23240097 (cited by Labcorp Genetics (formerly Invitae), Labcorp and Ambry Genetics); PubMed 37017260 (cited by Department of Clinical Genetics, Copenhagen University Hospital, Rigshospitalet).